The following is an entry in ClinVar:

ClinVar aggregate classification (germline): Benign/Likely benign. Review status: criteria provided, multiple submitters, no conflicts (2 of 4 stars). 4 submissions from 4 submitters: Benign (1); Likely benign (3). Last evaluated 2026-04-01.

Conditions:
Inborn genetic diseases. Identifiers: MedGen C0950123, MeSH D030342.
Landau-Kleffner syndrome (FESD). Also called: EPILEPSY, FOCAL, WITH SPEECH DISORDER AND WITH OR WITHOUT MENTAL RETARDATION; APHASIA, ACQUIRED, WITH EPILEPSY. Identifiers: Orphanet 1945, Orphanet 725, Orphanet 98818, MedGen C0282512, MONDO:0009509, OMIM 245570.

Allele frequency attached by ClinVar (database versions not stated): gnomAD 0.00006; ExAC 0.00018; gnomAD exomes 0.00020 and 0.00003; ESP Exome Variant Server 0.00008; TOPMed 0.00016.
gnomAD v4.1: 60 of 1,613,774 alleles (0.0037%); highest among the groups gnomAD compares: East Asian, 0.1%; no homozygotes.

Submissions (4):

CeGaT Center for Human Genetics Tuebingen
Classification: Likely benign. Last evaluated: 2026-04-01. Review status: criteria provided, single submitter. Criteria: CeGaT Center For Human Genetics Tuebingen Variant Classification Criteria Version 2. Collection method: clinical testing. Allele origin: germline. Affected: yes. Observed: 1 variant allele.
Comment: GRIN2A: BP4, BP7, BS1

Labcorp Genetics (formerly Invitae), Labcorp
Classification: Benign for Landau-Kleffner syndrome. Last evaluated: 2025-02-02. Review status: criteria provided, single submitter. Criteria: Invitae Variant Classification Sherloc (09022015). Collection method: clinical testing. Allele origin: germline.

GeneDx
Classification: Likely benign. Last evaluated: 2018-03-08. Review status: criteria provided, single submitter. Criteria: GeneDx Variant Classification (06012015). Collection method: clinical testing. Allele origin: germline. Affected: yes.
Comment: This variant is considered likely benign or benign based on one or more of the following criteria: it is a conservative change, it occurs at a poorly conserved position in the protein, it is predicted to be benign by multiple in silico algorithms, and/or has population frequency not consistent with disease.

Ambry Genetics
Classification: Likely benign for Inborn genetic diseases. Last evaluated: 2017-04-13. Review status: criteria provided, single submitter. Criteria: Ambry Variant Classification Scheme 2023. Collection method: clinical testing. Allele origin: germline.

NM_001134407.3(GRIN2A):c.2250C>T (p.Ile750=)

Gene: GRIN2A (glutamate ionotropic receptor NMDA type subunit 2A; minus strand). Cytogenetic location: 16p13.2.
Variant type: single nucleotide variant.
Coding change: c.2250C>T on transcript NM_001134407.3 (MANE Select); coding-DNA position 2250, C replaced by T.
Protein change: p.Ile750=; no amino-acid change (isoleucine 750 retained).
Molecular consequence: synonymous variant.
Genome position (GRCh38, 1-based): chr16:9,798,383, G>A on the plus strand (C>T on the coding strand, the complement: GRIN2A is on the minus strand). VCF-style: chr16-9798383-G-A. GRCh37 (hg19) VCF-style: chr16-9892240-G-A.
Other names: c.2250C>T, p.Ile750= (NM_000833.5, NM_001134408.2).
Identifiers: ClinVar variation 380404 (VCV000380404.18), dbSNP rs143779792, ClinGen allele CA7896551.
Genomic context (GRCh38, chr16:9,798,383, plus strand): 5'-AGGAGAGCCTTTCTGAAGGGCAATTCCATAACCGGTGGTGGCAAAGATGTACCCACTCCC[G>A]ATGGTCACCAGCTTGCAGCCTTCATCCCTCCCAGCCTTGTAATTCAAGACTGCGGCATCG-3'
Protein context (NP_001127879.1, residues 740-760): GRDEGCKLVT[Ile750=]GSGYIFATTG